The following is an entry in ClinVar:

ClinVar aggregate classification (germline): Pathogenic (1 of 4 stars; one submission).

Submission:

ARUP Laboratories, Molecular Genetics and Genomics, ARUP Laboratories
Classification: Pathogenic. Last evaluated: 2022-06-30. Review status: criteria provided, single submitter. Criteria: ARUP Molecular Germline Variant Investigation Process 2021. Collection method: clinical testing. Allele origin: germline.
Comment: The F8 c.4841del, p.Lys1614ArgfsTer7variant, also reported as 4838delA and Lys1595ArgfsTer7 , is reported in the literature in multiple individuals affected with severe hemophilia A (Astermark 2005, Casana 2008). This variant is absent from the Genome Aggregation Database, indicating it is not a common polymorphism. This variant causes a frameshift by deleting a single nucleotide, so it is predicted to result in a truncated protein or mRNA subject to nonsense-mediated decay. Based on available information, this variant is considered to be pathogenic. References: Astermark J et al. Malmo International Brother Study study group. The Malmo International Brother Study (MIBS). Genetic defects and inhibitor development in siblings with severe hemophilia A. Haematologica. 2005 Jul;90(7):924-31. PMID: 15996930. Casana P et al. Severe and moderate hemophilia A: identification of 38 new genetic alterations. Haematologica. 2008 Jul;93(7):1091-4. PMID: 18403393.

NM_000132.4(F8):c.4841del (p.Lys1614fs)

Gene: F8 (coagulation factor VIII; minus strand). Cytogenetic location: Xq28.
Variant type: Deletion.
Coding change: c.4841del on transcript NM_000132.4 (MANE Select); coding-DNA position 4841, one base deleted (A; older notation c.4841delA).
Protein change: p.Lys1614fs; shifts the reading frame from lysine 1614.
Molecular consequence: frameshift variant.
Genome position (GRCh38, 1-based): chrX:154,928,949, T deleted on the plus strand (A on the coding strand, the reverse complement: F8 is on the minus strand); the first of 5 consecutive T bases (chrX:154,928,949-154,928,953); deleting any one gives the same sequence. VCF-style (leftmost placement, unchanged base first): chrX-154928948-CT-C. GRCh37 (hg19) VCF-style: chrX-154157223-CT-C.
Other names: short protein forms K1614fs.
Identifiers: ClinVar variation 2428721 (VCV002428721.3), dbSNP rs2523909984, ClinGen allele CA2556122449.
Genomic context (GRCh38, chrX:154,928,948, plus strand): 5'-CTCATTTATTGCTGCTATTGCATGATTGCTTTCACAAGCGTTCAGGGACAAAATGGTATC[CT>C]TTTTCTTAAAAGCTGTTTTTTCTGGTGACTTCTCTTGGGATTTCCACTCTTCTTTTGGTA-3'